The following is an entry in ClinVar:

ClinVar aggregate classification (germline): Uncertain significance (1 of 4 stars; one submission).

Conditions:
RYR1-related disorder. Also called: RYR1-related condition; RYR1-related disorders. Identifiers: MedGen CN239331.

Submission:

Labcorp Genetics (formerly Invitae), Labcorp
Classification: Uncertain significance for RYR1-related disorder. Last evaluated: 2023-03-14. Review status: criteria provided, single submitter. Criteria: Invitae Variant Classification Sherloc (09022015). Collection method: clinical testing. Allele origin: germline.
Comment: In summary, the available evidence is currently insufficient to determine the role of this variant in disease. Therefore, it has been classified as a Variant of Uncertain Significance. Advanced modeling of protein sequence and biophysical properties (such as structural, functional, and spatial information, amino acid conservation, physicochemical variation, residue mobility, and thermodynamic stability) has been performed at Invitae for this missense variant, however the output from this modeling did not meet the statistical confidence thresholds required to predict the impact of this variant on RYR1 protein function. This variant has not been reported in the literature in individuals affected with RYR1-related conditions. This variant is not present in population databases (gnomAD no frequency). This sequence change replaces leucine, which is neutral and non-polar, with phenylalanine, which is neutral and non-polar, at codon 2177 of the RYR1 protein (p.Leu2177Phe).

NM_000540.3(RYR1):c.6529C>T (p.Leu2177Phe)

Gene: RYR1 (ryanodine receptor 1; plus strand). Cytogenetic location: 19q13.2.
Variant type: single nucleotide variant.
Coding change: c.6529C>T on transcript NM_000540.3 (MANE Select); coding-DNA position 6529, C replaced by T.
Protein change: p.Leu2177Phe; replaces leucine 2177 with phenylalanine.
Molecular consequence: missense variant.
Genome position (GRCh38, 1-based): chr19:38,494,606, C>T. VCF-style: chr19-38494606-C-T. GRCh37 (hg19) VCF-style: chr19-38985246-C-T.
Other names: c.6529C>T, p.Leu2177Phe (NM_001042723.2); short protein forms L2177F.
Identifiers: ClinVar variation 2985640 (VCV002985640.3), dbSNP rs2514276659, ClinGen allele CA405664430.
Genomic context (GRCh38, chr19:38,494,606, plus strand): 5'-GAGTGCCTCGGCCAGATCCGCTCGCTGCTCATCGTGCAGATGGGCCCCCAGGAGGAGAAC[C>T]TCATGATCCAGAGCATCGGGTGAGACACCGCCCTTCCCCCTTACTTTGCATATCCCCTTG-3'
Protein context (NP_000531.2, residues 2167-2187): IVQMGPQEEN[Leu2177Phe]MIQSIGNIMN